The following is an entry in ClinVar:

NM_031372.4(HNRNPDL):c.7G>A (p.Val3Ile)

Gene: HNRNPDL (heterogeneous nuclear ribonucleoprotein D like; minus strand). Cytogenetic location: 4q21.22.
Variant type: single nucleotide variant.
Coding change: c.7G>A on transcript NM_031372.4 (MANE Select); coding-DNA position 7, G replaced by A.
Protein change: p.Val3Ile; replaces valine 3 with isoleucine.
Molecular consequence: missense variant. On other transcripts: non-coding transcript variant (1).
Genome position (GRCh38, 1-based): chr4:82,429,684, C>T on the plus strand (G>A on the coding strand, the complement: HNRNPDL is on the minus strand). VCF-style: chr4-82429684-C-T. GRCh37 (hg19) VCF-style: chr4-83350837-C-T.
Other names: c.7G>A, p.Val3Ile (NM_001207000.1); short protein forms V3I.
Identifiers: ClinVar variation 1354152 (VCV001354152.8), dbSNP rs2110032103, ClinGen allele CA357174252.
Genomic context (GRCh38, chr4:82,429,684, plus strand): 5'-CTAAAGTAGCGGGAGCGGAGGGGAACAATGGCGGCGGCACATGGGAAAGCCTGGGCGGGA[C>T]CTCCATCGCGGCCCTCCCGGCAAGGAGAGAGGCCACGCGTGAGGGGACGCGGGCTTGGGA-3'
Protein context (NP_112740.1, residues 1-13): ME[Val3Ile]PPRLSHVPPP

ClinVar aggregate classification (germline): Uncertain significance (1 of 4 stars; one submission).

Conditions:
Autosomal dominant limb-girdle muscular dystrophy type 1G (LGMDD3). Also called: Limb-girdle muscular dystrophy, type 1G; MUSCULAR DYSTROPHY, LIMB-GIRDLE, AUTOSOMAL DOMINANT 3. Identifiers: Orphanet 55596, MedGen C1836765, MONDO:0012193, OMIM 609115.

gnomAD v4.1: 1 of 1,354,004 alleles (0.000074%); highest among the groups gnomAD compares: Non-Finnish European, 0.000095%; no homozygotes.

Submission:

Labcorp Genetics (formerly Invitae), Labcorp
Classification: Uncertain significance for Autosomal dominant limb-girdle muscular dystrophy type 1G. Last evaluated: 2021-05-30. Review status: criteria provided, single submitter. Criteria: Invitae Variant Classification Sherloc (09022015). Collection method: clinical testing. Allele origin: germline.
Comment: Algorithms developed to predict the effect of missense changes on protein structure and function are either unavailable or do not agree on the potential impact of this missense change (SIFT: "Deleterious"; PolyPhen-2: "Benign"; Align-GVGD: "Class C0"). This variant has not been reported in the literature in individuals with HNRNPDL-related conditions. The frequency data for this variant in the population databases is considered unreliable, as metrics indicate insufficient coverage at this position in the ExAC database. This sequence change replaces valine with isoleucine at codon 3 of the HNRNPDL protein (p.Val3Ile). The valine residue is moderately conserved and there is a small physicochemical difference between valine and isoleucine. In summary, the available evidence is currently insufficient to determine the role of this variant in disease. Therefore, it has been classified as a Variant of Uncertain Significance.